The following is an entry in ClinVar:

ClinVar aggregate classification (germline): Uncertain significance (1 of 4 stars; one submission).

Submission:

Labcorp Genetics (formerly Invitae), Labcorp
Classification: Uncertain significance. Last evaluated: 2024-02-24. Review status: criteria provided, single submitter. Criteria: Invitae Variant Classification Sherloc (09022015). Collection method: clinical testing. Allele origin: germline.
Comment: This sequence change replaces alanine, which is neutral and non-polar, with threonine, which is neutral and polar, at codon 349 of the PPP1R15B protein (p.Ala349Thr). This variant is not present in population databases (gnomAD no frequency). This variant has not been reported in the literature in individuals affected with PPP1R15B-related conditions. ClinVar contains an entry for this variant (Variation ID: 1998837). Advanced modeling of protein sequence and biophysical properties (such as structural, functional, and spatial information, amino acid conservation, physicochemical variation, residue mobility, and thermodynamic stability) performed at Invitae indicates that this missense variant is not expected to disrupt PPP1R15B protein function with a negative predictive value of 80%. In summary, the available evidence is currently insufficient to determine the role of this variant in disease. Therefore, it has been classified as a Variant of Uncertain Significance.

NM_032833.5(PPP1R15B):c.1045G>A (p.Ala349Thr)

Gene: PPP1R15B (protein phosphatase 1 regulatory subunit 15B; minus strand). Cytogenetic location: 1q32.1.
Variant type: single nucleotide variant.
Coding change: c.1045G>A on transcript NM_032833.5 (MANE Select); coding-DNA position 1045, G replaced by A.
Protein change: p.Ala349Thr; replaces alanine 349 with threonine.
Molecular consequence: missense variant.
Genome position (GRCh38, 1-based): chr1:204,410,367, C>T on the plus strand (G>A on the coding strand, the complement: PPP1R15B is on the minus strand). VCF-style: chr1-204410367-C-T. GRCh37 (hg19) VCF-style: chr1-204379495-C-T.
Other names: short protein forms A349T.
Identifiers: ClinVar variation 1998837 (VCV001998837.4), dbSNP rs2526505992, ClinGen allele CA344353528.
Genomic context (GRCh38, chr1:204,410,367, plus strand): 5'-TTAATAATTCTATTTTTTCTTCAGTGGATTCCTGGGTGTTTCCAGGAATGTCTCCAGCAG[C>T]AGGAACAAACTGTGTTGGGTTATCTCTGCAGTGTTTTGGATCCATCCGGAGAAGGCTGTG-3'
Protein context (NP_116222.4, residues 339-359): CRDNPTQFVP[Ala349Thr]AGDIPGNTQE